The following is an entry in ClinVar:

ClinVar aggregate classification (germline): Likely benign. Review status: criteria provided, multiple submitters, no conflicts (2 of 4 stars). 2 submissions from 2 submitters: Likely benign (2). Last evaluated 2024-06-01.

Conditions:
Spastic paraplegia. Identifiers: MedGen C0037772, HP:0001258.

Allele frequency attached by ClinVar (database versions not stated): gnomAD 0.00001.
gnomAD v4.1: 6 of 1,613,936 alleles (0.00037%); highest among the groups gnomAD compares: South Asian, 0.0044%; no homozygotes.

Submissions (2):

CeGaT Center for Human Genetics Tuebingen
Classification: Likely benign. Last evaluated: 2024-06-01. Review status: criteria provided, single submitter. Criteria: CeGaT Center For Human Genetics Tuebingen Variant Classification Criteria Version 2. Collection method: clinical testing. Allele origin: germline. Affected: yes. Observed: 1 variant allele.
Comment: ERLIN2: BP4, BP7

Labcorp Genetics (formerly Invitae), Labcorp
Classification: Likely benign for Spastic paraplegia. Last evaluated: 2023-10-13. Review status: criteria provided, single submitter. Criteria: Invitae Variant Classification Sherloc (09022015). Collection method: clinical testing. Allele origin: germline.

NM_007175.8(ERLIN2):c.549C>T (p.Tyr183=)

Gene: ERLIN2 (ER lipid raft associated 2; plus strand). Cytogenetic location: 8p11.23.
Variant type: single nucleotide variant.
Coding change: c.549C>T on transcript NM_007175.8 (MANE Select); coding-DNA position 549, C replaced by T.
Protein change: p.Tyr183=; no amino-acid change (tyrosine 183 retained).
Molecular consequence: synonymous variant.
Genome position (GRCh38, 1-based): chr8:37,749,844, C>T. VCF-style: chr8-37749844-C-T. GRCh37 (hg19) VCF-style: chr8-37607362-C-T.
Other names: c.549C>T, p.Tyr183= (NM_001362878.2).
Identifiers: ClinVar variation 2721236 (VCV002721236.21), dbSNP rs1280126335, ClinGen allele CA460358365.